The following is an entry in ClinVar:

NM_000303.3(PMM2):c.457A>G (p.Ile153Val)

Gene: PMM2 (phosphomannomutase 2; plus strand). Cytogenetic location: 16p13.2.
Variant type: single nucleotide variant.
Coding change: c.457A>G on transcript NM_000303.3 (MANE Select); coding-DNA position 457, A replaced by G.
Protein change: p.Ile153Val; replaces isoleucine 153 with valine.
Molecular consequence: missense variant.
Genome position (GRCh38, 1-based): chr16:8,811,647, A>G. VCF-style: chr16-8811647-A-G. GRCh37 (hg19) VCF-style: chr16-8905504-A-G.
Other names: short protein forms I153V.
Identifiers: ClinVar variation 970217 (VCV000970217.16), dbSNP rs1596489094, ClinGen allele CA394696874.

ClinVar aggregate classification (germline): Conflicting classifications of pathogenicity. Review status: criteria provided, conflicting classifications (1 of 4 stars). 4 submissions from 4 submitters: Likely pathogenic (1); Uncertain significance (2). 1 of the submissions does not count toward it. Last evaluated 2026-06-12.

Conditions:
PMM2-congenital disorder of glycosylation. Also called: Congenital disorder of glycosylation, type Ia; PMM2-CDG; JAEKEN SYNDROME; CARBOHYDRATE-DEFICIENT GLYCOPROTEIN SYNDROME, TYPE Ia; PHOSPHOMANNOMUTASE 2 DEFICIENCY; CDG Ia. Identifiers: Orphanet 79318, MedGen C0349653, MONDO:0008907, OMIM 212065.

Allele frequency attached by ClinVar (database versions not stated): gnomAD exomes 0.00001.
gnomAD v4.1: 4 of 1,611,236 alleles (0.00025%); highest among the groups gnomAD compares: Non-Finnish European, 0.00034%; no homozygotes.

Submissions (4):

Myriad Genetics, Inc.
Classification: Uncertain significance for PMM2-congenital disorder of glycosylation. Last evaluated: 2026-06-12. Review status: criteria provided, single submitter. Criteria: Myriad Autosomal Dominant, Autosomal Recessive and X-Linked Classification Criteria (2023). Collection method: clinical testing. Allele origin: unknown.
Comment: NM_000303.2(PMM2):c.457A>G(I153V) is a missense variant classified as a variant of uncertain significance in the context of congenital disorder of glycosylation, PMM2-related. I153V has not been observed in cases with relevant disease. Relevant functional assessments of this variant are not available in the literature. I153V has not been observed in referenced population frequency databases. In summary, there is insufficient evidence to classify NM_000303.2(PMM2):c.457A>G(I153V) as pathogenic or benign. Please note: this variant was assessed in the context of healthy population screening.

Dasa
Classification: Uncertain significance. Last evaluated: 2026-03-27. Review status: criteria provided, single submitter. Criteria: DASA Assertion Criteria. Collection method: clinical testing. Allele origin: germline.
Comment: NM_000303.3(PMM2):c.457A>G (p.Ile153Val) is a missense variant that results in the substitution of isoleucine with valine. The affected residue or protein region has prior evidence supporting clinical relevance. This variant is rare in population databases. Computational prediction algorithms are consistent with a deleterious effect. The currently available literature and clinical evidence are not sufficient to establish a definitive association between this variant and the reported condition. Therefore, this variant is classified as a variant of uncertain significance.

Labcorp Genetics (formerly Invitae), Labcorp
Classification: Likely pathogenic for PMM2-congenital disorder of glycosylation. Last evaluated: 2025-10-13. Review status: criteria provided, single submitter. Criteria: Invitae Variant Classification Sherloc (09022015). Collection method: clinical testing. Allele origin: germline.
Comment: This sequence change replaces isoleucine, which is neutral and non-polar, with valine, which is neutral and non-polar, at codon 153 of the PMM2 protein (p.Ile153Val). This variant is not present in population databases (gnomAD no frequency). This variant has not been reported in the literature in individuals affected with PMM2-related conditions. ClinVar contains an entry for this variant (Variation ID: 970217). Invitae Evidence Modeling of protein sequence and biophysical properties (such as structural, functional, and spatial information, amino acid conservation, physicochemical variation, residue mobility, and thermodynamic stability) indicates that this missense variant is expected to disrupt PMM2 protein function with a positive predictive value of 95%. This variant disrupts the p.Ile153 amino acid residue in PMM2. Other variant(s) that disrupt this residue have been determined to be pathogenic (PMID: 11156536, 25497157, 26502900; internal data). This suggests that this residue is clinically significant, and that variants that disrupt this residue are likely to be disease-causing. In summary, the currently available evidence indicates that the variant is pathogenic, but additional data are needed to prove that conclusively. Therefore, this variant has been classified as Likely Pathogenic.

Natera, Inc.
Classification: Uncertain significance for Congenital disorder of glycosylation type 1a. Last evaluated: 2021-05-03. Review status: no assertion criteria provided. Collection method: clinical testing. Allele origin: germline. Not counted in ClinVar's aggregate classification.

Literature cited by the submitters: PubMed 11156536 (cited by Labcorp Genetics (formerly Invitae), Labcorp); PubMed 25497157 (cited by Labcorp Genetics (formerly Invitae), Labcorp); PubMed 26502900 (cited by Labcorp Genetics (formerly Invitae), Labcorp).